The following is an entry in ClinVar:

NM_001378454.1(ALMS1):c.12339G>T (p.Lys4113Asn)

Gene: ALMS1 (ALMS1 centrosome and basal body associated protein; plus strand). Cytogenetic location: 2p13.1.
Variant type: single nucleotide variant.
Coding change: c.12339G>T on transcript NM_001378454.1 (MANE Select); coding-DNA position 12339, G replaced by T.
Protein change: p.Lys4113Asn; replaces lysine 4113 with asparagine.
Molecular consequence: missense variant.
Genome position (GRCh38, 1-based): chr2:73,603,281, G>T. VCF-style: chr2-73603281-G-T. GRCh37 (hg19) VCF-style: chr2-73830408-G-T.
Other names: c.12342G>T, p.Lys4114Asn (NM_015120.4); short protein forms K4113N, K4114N.
Identifiers: ClinVar variation 5000924 (VCV005000924.1).

ClinVar aggregate classification (germline): Uncertain significance (1 of 4 stars; one submission).

Conditions:
ALMS1-related disorder. Also called: ALMS1-related condition.

Submission:

PreventionGenetics, part of Exact Sciences
Classification: Uncertain significance for ALMS1-related condition. Last evaluated: 2025-07-18. Review status: criteria provided, single submitter. Criteria: ACMG Guidelines, 2015. Collection method: clinical testing. Allele origin: germline.
Comment: The ALMS1 c.12342G>T variant is predicted to result in the amino acid substitution p.Met4114Ile. To our knowledge, this variant has not been reported in the literature or in a large population database (gnomAD), indicating this variant is rare. At this time, the clinical significance of this variant is uncertain due to the absence of conclusive functional and genetic evidence.